The following is an entry in ClinVar:

ClinVar aggregate classification (germline): Uncertain significance. Review status: criteria provided, multiple submitters, no conflicts (2 of 4 stars). 3 submissions from 3 submitters: Uncertain significance (3). Last evaluated 2025-08-14.

Conditions:
Inborn genetic diseases. Identifiers: MedGen C0950123, MeSH D030342.
Dyskeratosis congenita. Identifiers: Orphanet 1775, MedGen C0265965, MONDO:0015780.

Allele frequency attached by ClinVar (database versions not stated): gnomAD exomes 0.00003 and 0.00004; TOPMed 0.00003; ExAC 0.00005; gnomAD 0.00005; ESP Exome Variant Server 0.00016.
gnomAD v4.1: 45 of 1,613,960 alleles (0.0028%); highest among the groups gnomAD compares: Admixed American, 0.0083%; no homozygotes.

Submissions (3):

Labcorp Genetics (formerly Invitae), Labcorp
Classification: Uncertain significance for Dyskeratosis congenita. Last evaluated: 2025-08-14. Review status: criteria provided, single submitter. Criteria: Invitae Variant Classification Sherloc (09022015). Collection method: clinical testing. Allele origin: germline.
Comment: This sequence change replaces arginine, which is basic and polar, with tryptophan, which is neutral and slightly polar, at codon 351 of the CTC1 protein (p.Arg351Trp). This variant is present in population databases (rs374781255, gnomAD 0.01%). This variant has not been reported in the literature in individuals affected with CTC1-related conditions. ClinVar contains an entry for this variant (Variation ID: 1035920). Invitae Evidence Modeling of protein sequence and biophysical properties (such as structural, functional, and spatial information, amino acid conservation, physicochemical variation, residue mobility, and thermodynamic stability) indicates that this missense variant is expected to disrupt CTC1 protein function with a positive predictive value of 80%. In summary, the available evidence is currently insufficient to determine the role of this variant in disease. Therefore, it has been classified as a Variant of Uncertain Significance.

Ambry Genetics
Classification: Uncertain significance for Inborn genetic diseases. Last evaluated: 2025-07-18. Review status: criteria provided, single submitter. Criteria: Ambry Variant Classification Scheme 2023. Collection method: clinical testing. Allele origin: germline.

Sema4
Classification: Uncertain significance for Dyskeratosis congenita. Last evaluated: 2022-02-10. Review status: criteria provided, single submitter. Criteria: Sema4 Curation Guidelines. Collection method: curation. Allele origin: germline.
Comment: The CTC1 c.1051C>T (p.R351W) variant has not been reported in the literature to our knowledge. It was observed in 11/280632 chromosomes across all populations in the large and broad cohorts of the Genome Aggregation Database (PMID: 32461654). The variant has been reported in ClinVar (Variation ID 1035920). Functional studies have not been performed, and in silico predictions of the variant's effect on protein function are inconclusive. The evidence is insufficient to meet ACMG/AMP criteria for classifying the variant as benign or pathogenic. Thus, the clinical significance of this variant is currently uncertain.

NM_025099.6(CTC1):c.1051C>T (p.Arg351Trp)

Gene: CTC1 (CST telomere replication complex component 1; minus strand). Cytogenetic location: 17p13.1.
Variant type: single nucleotide variant.
Coding change: c.1051C>T on transcript NM_025099.6 (MANE Select); coding-DNA position 1051, C replaced by T.
Protein change: p.Arg351Trp; replaces arginine 351 with tryptophan.
Molecular consequence: missense variant. On other transcripts: non-coding transcript variant (1).
Genome position (GRCh38, 1-based): chr17:8,236,084, G>A on the plus strand (C>T on the coding strand, the complement: CTC1 is on the minus strand). VCF-style: chr17-8236084-G-A. GRCh37 (hg19) VCF-style: chr17-8139402-G-A.
Other names: short protein forms R351W.
Identifiers: ClinVar variation 1035920 (VCV001035920.9), dbSNP rs374781255, ClinGen allele CA8372491.
Genomic context (GRCh38, chr17:8,236,084, plus strand): 5'-CCCCTCAAGCTCTAGGATCTCTCCCTGTGCTCACCGAATAGGATAGGAGTCTAGAATACC[G>A]GACAAGACTTTCTGGATCCTTCTTGTCCTCCGAGTTGCTGGGCATGGGGAGTGGCTTGGG-3'
Protein context (NP_079375.3, residues 341-361): EDKKDPESLV[Arg351Trp]YSRLLSYSGA